The following is an entry in ClinVar:

NM_130849.4(SLC39A4):c.805-12G>T

Gene: SLC39A4 (solute carrier family 39 member 4; minus strand). Cytogenetic location: 8q24.3.
Variant type: single nucleotide variant.
Coding change: c.805-12G>T on transcript NM_130849.4 (MANE Select); 12 bases into the intron before coding-DNA position 805, G replaced by T.
Molecular consequence: intron variant.
Genome position (GRCh38, 1-based): chr8:144,414,908, C>A on the plus strand (G>T on the coding strand, the complement: SLC39A4 is on the minus strand). VCF-style: chr8-144414908-C-A. GRCh37 (hg19) VCF-style: chr8-145640292-C-A.
Other names: c.730-12G>T (NM_017767.3).
Identifiers: ClinVar variation 362248 (VCV000362248.10), dbSNP rs139609894, ClinGen allele CA4941517.

ClinVar aggregate classification (germline): Benign/Likely benign. Review status: criteria provided, multiple submitters, no conflicts (2 of 4 stars). 4 submissions from 4 submitters: Benign (1); Likely benign (3). Last evaluated 2026-01-31.

Conditions:
Hereditary acrodermatitis enteropathica (AEZ). Also called: Acrodermatitis enteropathica. Identifiers: Orphanet 37, MedGen C0221036, MONDO:0008713, OMIM 201100.

Allele frequency attached by ClinVar (database versions not stated): TOPMed 0.00214; 1000 Genomes Project 0.00260; 1000 Genomes Project 30x 0.00281.

Submissions (4):

Labcorp Genetics (formerly Invitae), Labcorp
Classification: Benign. Last evaluated: 2026-01-31. Review status: criteria provided, single submitter. Criteria: Invitae Variant Classification Sherloc (09022015). Collection method: clinical testing. Allele origin: germline.

Blueprint Genetics
Classification: Likely benign. Last evaluated: 2024-10-02. Review status: criteria provided, single submitter. Criteria: ACMG Guidelines, 2015. Collection method: clinical testing. Allele origin: germline.

Illumina Laboratory Services, Illumina
Classification: Likely benign for Hereditary acrodermatitis enteropathica. Last evaluated: 2018-01-13. Review status: criteria provided, single submitter. Criteria: ICSL Variant Classification Criteria 13 December 2019. Collection method: clinical testing. Allele origin: germline.
Comment: This variant was observed in the ICSL laboratory as part of a predisposition screen in an ostensibly healthy population. It had not been previously curated by ICSL or reported in the Human Gene Mutation Database (HGMD: prior to June 1st, 2018), and was therefore a candidate for classification through an automated scoring system. Utilizing variant allele frequency, disease prevalence and penetrance estimates, and inheritance mode, an automated score was calculated to assess if this variant is too frequent to cause the disease. Based on the score and internal cut-off values, a variant classified as likely benign is not then subjected to further curation. The score for this variant resulted in a classification of likely benign for this disease.

Breakthrough Genomics
Classification: Likely benign. Review status: criteria provided, single submitter. Criteria: ACMG Guidelines, 2015. Collection method: not provided. Allele origin: germline. Inheritance: Autosomal recessive inheritance. Affected: yes.